The following is an entry in ClinVar:

ClinVar aggregate classification (germline): Uncertain significance (1 of 4 stars; one submission).

Submission:

Labcorp Genetics (formerly Invitae), Labcorp
Classification: Uncertain significance. Last evaluated: 2022-06-14. Review status: criteria provided, single submitter. Criteria: Invitae Variant Classification Sherloc (09022015). Collection method: clinical testing. Allele origin: germline.
Comment: In summary, the available evidence is currently insufficient to determine the role of this variant in disease. Therefore, it has been classified as a Variant of Uncertain Significance. Experimental studies and prediction algorithms are not available or were not evaluated, and the functional significance of this variant is currently unknown. This variant has not been reported in the literature in individuals affected with KCNK4-related conditions. This variant is present in population databases (rs753646402, gnomAD 0.007%). This variant, c.471_473del, results in the deletion of 1 amino acid(s) of the KCNK4 protein (p.Phe157del), but otherwise preserves the integrity of the reading frame.

NM_033310.3(KCNK4):c.468CTT[1] (p.Phe157del)

Genes: KCNK4 (potassium two pore domain channel subfamily K member 4; plus strand), KCNK4-CATSPERZ (KCNK4-CATSPERZ readthrough (NMD candidate); plus strand). Cytogenetic location: 11q13.1.
Variant type: Microsatellite.
Coding change: c.468CTT[1] on transcript NM_033310.3 (MANE Select); one copy of the 3-base unit CTT starting at c.468; the reference has two copies in a row; one copy, 3 bases deleted.
Protein change: p.Phe157del; deletes phenylalanine 157.
Molecular consequence: inframe deletion. On other transcripts: non-coding transcript variant (3).
Genome position (GRCh38, 1-based): chr11:64,297,276-64,297,278, CTT deleted; deleting any 3 consecutive bases within chr11:64,297,272-64,297,278 gives the same sequence; the position shown is the placement nearest the transcript's 3' end. VCF-style (leftmost placement, unchanged base first): chr11-64297271-ATCT-A. GRCh37 (hg19) VCF-style: chr11-64064743-ATCT-A.
Other names: c.468CTT[1], p.Phe157del (NM_001317090.2); short protein forms F157del.
Identifiers: ClinVar variation 1509650 (VCV001509650.6), dbSNP rs753646402, ClinGen allele CA6073056.